The following is an entry in ClinVar:

NM_024656.4(COLGALT1):c.886C>T (p.Arg296Cys)

Gene: COLGALT1 (collagen beta(1-O)galactosyltransferase 1; plus strand). Cytogenetic location: 19p13.11.
Variant type: single nucleotide variant.
Coding change: c.886C>T on transcript NM_024656.4 (MANE Select); coding-DNA position 886, C replaced by T.
Protein change: p.Arg296Cys; replaces arginine 296 with cysteine.
Molecular consequence: missense variant.
Genome position (GRCh38, 1-based): chr19:17,572,539, C>T. VCF-style: chr19-17572539-C-T. GRCh37 (hg19) VCF-style: chr19-17683348-C-T.
Other names: c.886C>T (NM_024656.2); short protein forms R296C.
Identifiers: ClinVar variation 2167593 (VCV002167593.7), dbSNP rs536730145, ClinGen allele CA9297073.

ClinVar aggregate classification (germline): Uncertain significance. Review status: criteria provided, multiple submitters, no conflicts (2 of 4 stars). 2 submissions from 2 submitters: Uncertain significance (2). Last evaluated 2025-05-17.

Conditions:
Inborn genetic diseases. Identifiers: MedGen C0950123, MeSH D030342.

Allele frequency attached by ClinVar (database versions not stated): gnomAD 0.00001; TOPMed 0.00002; ExAC 0.00008.
gnomAD v4.1: 126 of 1,614,154 alleles (0.0078%); highest among the groups gnomAD compares: South Asian, 0.08%; 3 homozygotes.

Submissions (2):

Ambry Genetics
Classification: Uncertain significance for Inborn genetic diseases. Last evaluated: 2025-05-17. Review status: criteria provided, single submitter. Criteria: Ambry Variant Classification Scheme 2023. Collection method: clinical testing. Allele origin: germline.

Labcorp Genetics (formerly Invitae), Labcorp
Classification: Uncertain significance. Last evaluated: 2023-02-14. Review status: criteria provided, single submitter. Criteria: Invitae Variant Classification Sherloc (09022015). Collection method: clinical testing. Allele origin: germline.
Comment: This variant has not been reported in the literature in individuals affected with COLGALT1-related conditions. Advanced modeling of protein sequence and biophysical properties (such as structural, functional, and spatial information, amino acid conservation, physicochemical variation, residue mobility, and thermodynamic stability) performed at Invitae indicates that this missense variant is not expected to disrupt COLGALT1 protein function. In summary, the available evidence is currently insufficient to determine the role of this variant in disease. Therefore, it has been classified as a Variant of Uncertain Significance. This variant is present in population databases (rs536730145, gnomAD 0.07%). This sequence change replaces arginine, which is basic and polar, with cysteine, which is neutral and slightly polar, at codon 296 of the COLGALT1 protein (p.Arg296Cys).